The following is an entry in ClinVar:

NM_001080.3(ALDH5A1):c.851G>A (p.Gly284Asp)

Gene: ALDH5A1 (aldehyde dehydrogenase 5 family member A1; plus strand). Cytogenetic location: 6p22.3.
Variant type: single nucleotide variant.
Coding change: c.851G>A on transcript NM_001080.3 (MANE Select); coding-DNA position 851, G replaced by A.
Protein change: p.Gly284Asp; replaces glycine 284 with aspartic acid.
Molecular consequence: missense variant. On other transcripts: intron variant (1).
Genome position (GRCh38, 1-based): chr6:24,515,291, G>A. VCF-style: chr6-24515291-G-A. GRCh37 (hg19) VCF-style: chr6-24515519-G-A.
Other names: c.890G>A, p.Gly297Asp (NM_170740.1); c.727-5110G>A (NM_001368954.1); short protein forms G297D, G284D.
Identifiers: ClinVar variation 1878471 (VCV001878471.3), dbSNP rs2532855253, ClinGen allele CA362972116.

ClinVar aggregate classification (germline): Likely pathogenic (1 of 4 stars; one submission).

Conditions:
Succinate-semialdehyde dehydrogenase deficiency (SSADHD). Also called: Succinic Semialdehyde Dehydrogenase Deficiency; SSADH DEFICIENCY; 4-HYDROXYBUTYRIC ACIDURIA; GABA METABOLIC DEFECT. Identifiers: Orphanet 22, MedGen C0268631, MONDO:0010083, OMIM 271980.

Submission:

Elsea Laboratory, Baylor College of Medicine
Classification: Likely pathogenic for Succinate-semialdehyde dehydrogenase deficiency. Last evaluated: 2021-03-08. Review status: criteria provided, single submitter. Criteria: Martin et al. (J Child Neurol. 2021). Collection method: curation. Allele origin: germline. Affected: yes.
Comment: NAD binding domain

Literature cited by the submitters: PubMed 33203024.